The following is an entry in ClinVar:

NM_015557.3(CHD5):c.2197G>A (p.Val733Met)

Gene: CHD5 (chromodomain helicase DNA binding protein 5; minus strand). Cytogenetic location: 1p36.31.
Variant type: single nucleotide variant.
Coding change: c.2197G>A on transcript NM_015557.3 (MANE Select); coding-DNA position 2197, G replaced by A.
Protein change: p.Val733Met; replaces valine 733 with methionine.
Molecular consequence: missense variant.
Genome position (GRCh38, 1-based): chr1:6,142,452, C>T on the plus strand (G>A on the coding strand, the complement: CHD5 is on the minus strand). VCF-style: chr1-6142452-C-T. GRCh37 (hg19) VCF-style: chr1-6202512-C-T.
Other names: short protein forms V733M.
Identifiers: ClinVar variation 2581948 (VCV002581948.1), dbSNP rs753965800, ClinGen allele CA556827.

ClinVar aggregate classification (germline): Uncertain significance (1 of 4 stars; one submission).

Allele frequency attached by ClinVar (database versions not stated): gnomAD exomes below 0.00001; ExAC 0.00001; gnomAD 0.00001.
gnomAD v4.1: 3 of 1,613,660 alleles (0.00019%); highest among the groups gnomAD compares: Non-Finnish European, 0.00025%; no homozygotes.

Submission:

GeneDx
Classification: Uncertain significance. Last evaluated: 2023-03-26. Review status: criteria provided, single submitter. Criteria: GeneDx Variant Classification Process June 2021. Collection method: clinical testing. Allele origin: germline. Affected: yes.
Comment: In silico analysis supports that this missense variant does not alter protein structure/function; Has not been previously published as pathogenic or benign to our knowledge